The following is an entry in ClinVar:

ClinVar aggregate classification (germline): Pathogenic (1 of 4 stars; one submission).

Conditions:
Intellectual developmental disorder, X-linked 1. Also called: Atkin Flaitz Patil Smith syndrome; Intellectual disability, X-linked 1; MENTAL RETARDATION, X-LINKED 18; MENTAL RETARDATION, X-LINKED 78. Identifiers: Orphanet 777, MedGen C2931498, MONDO:0010656, OMIM 309530.

Submission:

Labcorp Genetics (formerly Invitae), Labcorp
Classification: Pathogenic for Intellectual developmental disorder, X-linked 1. Last evaluated: 2021-03-09. Review status: criteria provided, single submitter. Criteria: Invitae Variant Classification Sherloc (09022015). Collection method: clinical testing. Allele origin: germline.
Comment: This sequence change creates a premature translational stop signal (p.Ser210Profs*47) in the IQSEC2 gene. It is expected to result in an absent or disrupted protein product. Loss-of-function variants in IQSEC2 are known to be pathogenic (PMID: 21686261, 26793055, 27665735). The frequency data for this variant in the population databases is considered unreliable, as metrics indicate insufficient coverage at this position in the ExAC database. This variant has not been reported in the literature in individuals with IQSEC2-related conditions. For these reasons, this variant has been classified as Pathogenic.

Literature cited by the submitters: PubMed 21686261; PubMed 26793055; PubMed 27665735.

NM_001111125.3(IQSEC2):c.627del (p.Ser210fs)

Gene: IQSEC2 (IQ motif and Sec7 domain ArfGEF 2; minus strand). Cytogenetic location: Xp11.22.
Variant type: Deletion.
Coding change: c.627del on transcript NM_001111125.3 (MANE Select); coding-DNA position 627, one base deleted (A; older notation c.627delA).
Protein change: p.Ser210fs; shifts the reading frame from serine 210.
Molecular consequence: frameshift variant.
Genome position (GRCh38, 1-based): chrX:53,320,497, T deleted on the plus strand (A on the coding strand, the reverse complement: IQSEC2 is on the minus strand). VCF-style (leftmost placement, unchanged base first): chrX-53320496-AT-A. GRCh37 (hg19) VCF-style: chrX-53349694-AT-A.
Other names: short protein forms S210fs.
Identifiers: ClinVar variation 1376143 (VCV001376143.6), dbSNP rs2146548468, ClinGen allele CA2573158935.